The following is an entry in ClinVar:

ClinVar aggregate classification (germline): Uncertain significance. Review status: criteria provided, multiple submitters, no conflicts (2 of 4 stars). 4 submissions from 4 submitters: Uncertain significance (4). Last evaluated 2026-09-15.

Conditions:
TTLL5-related disorder. Also called: TTLL5-related condition.
Inborn genetic diseases. Identifiers: MedGen C0950123, MeSH D030342.

Allele frequency attached by ClinVar (database versions not stated): gnomAD exomes 0.00001 and 0.00003; gnomAD 0.00002 and 0.00004; ExAC 0.00003; TOPMed 0.00003.
gnomAD v4.1: 34 of 1,613,998 alleles (0.0021%); highest among the groups gnomAD compares: East Asian, 0.025%; no homozygotes.

Submissions (4):

PreventionGenetics, part of Exact Sciences
Classification: Uncertain significance for TTLL5-related condition. Last evaluated: 2026-09-15. Review status: criteria provided, single submitter. Criteria: ACMG Guidelines, 2015. Collection method: clinical testing. Allele origin: germline.
Comment: The TTLL5 c.2234G>A variant is predicted to result in the amino acid substitution p.Arg745Lys. To our knowledge, this variant has not been reported in the literature. This variant is reported in 0.027% of alleles in individuals of East Asian descent in gnomAD. At this time, the clinical significance of this variant is uncertain due to the absence of conclusive functional and genetic evidence.

Blueprint Genetics
Classification: Uncertain significance. Last evaluated: 2024-07-02. Review status: criteria provided, single submitter. Criteria: ACMG Guidelines, 2015. Collection method: clinical testing. Allele origin: germline.

Ambry Genetics
Classification: Uncertain significance for Inborn genetic diseases. Last evaluated: 2023-12-12. Review status: criteria provided, single submitter. Criteria: Ambry Variant Classification Scheme 2023. Collection method: clinical testing. Allele origin: germline.

Labcorp Genetics (formerly Invitae), Labcorp
Classification: Uncertain significance. Last evaluated: 2022-09-27. Review status: criteria provided, single submitter. Criteria: Invitae Variant Classification Sherloc (09022015). Collection method: clinical testing. Allele origin: germline.
Comment: This sequence change replaces arginine, which is basic and polar, with lysine, which is basic and polar, at codon 745 of the TTLL5 protein (p.Arg745Lys). This variant is present in population databases (rs373164064, gnomAD 0.02%). This variant has not been reported in the literature in individuals affected with TTLL5-related conditions. ClinVar contains an entry for this variant (Variation ID: 856652). Advanced modeling of protein sequence and biophysical properties (such as structural, functional, and spatial information, amino acid conservation, physicochemical variation, residue mobility, and thermodynamic stability) performed at Invitae indicates that this missense variant is not expected to disrupt TTLL5 protein function. In summary, the available evidence is currently insufficient to determine the role of this variant in disease. Therefore, it has been classified as a Variant of Uncertain Significance.

NM_015072.5(TTLL5):c.2234G>A (p.Arg745Lys)

Gene: TTLL5 (tubulin tyrosine ligase like 5; plus strand). Cytogenetic location: 14q24.3.
Variant type: single nucleotide variant.
Coding change: c.2234G>A on transcript NM_015072.5 (MANE Select); coding-DNA position 2234, G replaced by A.
Protein change: p.Arg745Lys; replaces arginine 745 with lysine.
Molecular consequence: missense variant.
Genome position (GRCh38, 1-based): chr14:75,775,581, G>A. VCF-style: chr14-75775581-G-A. GRCh37 (hg19) VCF-style: chr14-76241924-G-A.
Other names: short protein forms R745K.
Identifiers: ClinVar variation 856652 (VCV000856652.9), dbSNP rs373164064, ClinGen allele CA7279652.